The following is an entry in ClinVar:

NM_001376.5(DYNC1H1):c.5411G>A (p.Arg1804Gln)

Gene: DYNC1H1 (dynein cytoplasmic 1 heavy chain 1; plus strand). Cytogenetic location: 14q32.31.
Variant type: single nucleotide variant.
Coding change: c.5411G>A on transcript NM_001376.5 (MANE Select); coding-DNA position 5411, G replaced by A.
Protein change: p.Arg1804Gln; replaces arginine 1804 with glutamine.
Molecular consequence: missense variant.
Genome position (GRCh38, 1-based): chr14:102,005,214, G>A. VCF-style: chr14-102005214-G-A. GRCh37 (hg19) VCF-style: chr14-102471551-G-A.
Other names: short protein forms R1804Q.
Identifiers: ClinVar variation 1708443 (VCV001708443.3), dbSNP rs746543001, ClinGen allele CA7352412.

ClinVar aggregate classification (germline): Conflicting classifications of pathogenicity. Review status: criteria provided, conflicting classifications (1 of 4 stars). 2 submissions from 2 submitters: Uncertain significance (1); Likely benign (1). Last evaluated 2025-10-29.

Conditions:
Charcot-Marie-Tooth disease axonal type 2O. Also called: CHARCOT-MARIE-TOOTH NEUROPATHY, AXONAL, TYPE 2O; CHARCOT-MARIE-TOOTH DISEASE, AXONAL, AUTOSOMAL DOMINANT, TYPE 2O; Charcot-Marie-Tooth Neuropathy Type 2O; Charcot-Marie-Tooth disease, axonal, type 20. Identifiers: Orphanet 284232, MedGen C3280220, MONDO:0013644, OMIM 614228.

Allele frequency attached by ClinVar (database versions not stated): gnomAD exomes below 0.00001; ExAC 0.00001; gnomAD 0.00001.
gnomAD v4.1: 3 of 1,614,046 alleles (0.00019%); highest among the groups gnomAD compares: East Asian, 0.0022%; no homozygotes.

Submissions (2):

Labcorp Genetics (formerly Invitae), Labcorp
Classification: Likely benign for Charcot-Marie-Tooth disease axonal type 2O. Last evaluated: 2025-10-29. Review status: criteria provided, single submitter. Criteria: Invitae Variant Classification Sherloc (09022015). Collection method: clinical testing. Allele origin: germline.

Centre of Medical Genetics, University Hospital Muenster
Classification: Uncertain significance. Last evaluated: 2021-05-06. Review status: criteria provided, single submitter. Criteria: ACMG Guidelines, 2015. Collection method: clinical testing. Allele origin: unknown. Affected: yes. Observed: 1 variant allele, 1 heterozygote.
Comment: ACMG categories: PM2,PP3